The following is an entry in ClinVar:

NM_001378328.1(CELSR1):c.3159C>T (p.Asn1053=)

Gene: CELSR1 (cadherin EGF LAG seven-pass G-type receptor 1; minus strand). Cytogenetic location: 22q13.31.
Variant type: single nucleotide variant.
Coding change: c.3159C>T on transcript NM_001378328.1 (MANE Select); coding-DNA position 3159, C replaced by T.
Protein change: p.Asn1053=; no amino-acid change (asparagine 1053 retained).
Molecular consequence: synonymous variant.
Genome position (GRCh38, 1-based): chr22:46,534,012, G>A on the plus strand (C>T on the coding strand, the complement: CELSR1 is on the minus strand). VCF-style: chr22-46534012-G-A. GRCh37 (hg19) VCF-style: chr22-46929909-G-A.
Other names: c.3159C>T, p.Asn1053= (NM_014246.4); c.3159C>T (NM_014246.1).
Identifiers: ClinVar variation 2653340 (VCV002653340.25), dbSNP rs770537349, ClinGen allele CA10295082.

ClinVar aggregate classification (germline): Likely benign. Review status: criteria provided, single submitter (1 of 4 stars). 2 submissions from 2 submitters: Likely benign (1). 1 of the submissions does not count toward it. Last evaluated 2022-09-01.

Conditions:
CELSR1-related disorder. Also called: CELSR1-related condition.

Allele frequency attached by ClinVar (database versions not stated): gnomAD exomes 0.00002; ExAC 0.00003; gnomAD 0.00006; TOPMed 0.00006.
gnomAD v4.1: 34 of 1,613,546 alleles (0.0021%); highest among the groups gnomAD compares: African/African-American, 0.004%; no homozygotes.

Submissions (2):

CeGaT Center for Human Genetics Tuebingen
Classification: Likely benign. Last evaluated: 2022-09-01. Review status: criteria provided, single submitter. Criteria: CeGaT Center For Human Genetics Tuebingen Variant Classification Criteria Version 2. Collection method: clinical testing. Allele origin: germline. Affected: yes. Observed: 1 variant allele.
Comment: CELSR1: BP4, BP7

PreventionGenetics, part of Exact Sciences
Classification: Likely benign for CELSR1-related condition. Last evaluated: 2022-10-19. Review status: no assertion criteria provided. Collection method: clinical testing. Allele origin: germline. Not counted in ClinVar's aggregate classification.
Comment: This variant is classified as likely benign based on ACMG/AMP sequence variant interpretation guidelines (Richards et al. 2015 PMID: 25741868, with internal and published modifications).